The following is an entry in ClinVar:

NM_000834.5(GRIN2B):c.140A>G (p.Glu47Gly)

Gene: GRIN2B (glutamate ionotropic receptor NMDA type subunit 2B; minus strand). Cytogenetic location: 12p13.1.
Variant type: single nucleotide variant.
Coding change: c.140A>G on transcript NM_000834.5 (MANE Select); coding-DNA position 140, A replaced by G.
Protein change: p.Glu47Gly; replaces glutamic acid 47 with glycine.
Molecular consequence: missense variant.
Genome position (GRCh38, 1-based): chr12:13,866,069, T>C on the plus strand (A>G on the coding strand, the complement: GRIN2B is on the minus strand). VCF-style: chr12-13866069-T-C. GRCh37 (hg19) VCF-style: chr12-14019003-T-C.
Other names: p.E47G:GAG>GGG; short protein forms E47G.
Identifiers: ClinVar variation 205708 (VCV000205708.18), dbSNP rs199526748, ClinGen allele CA315044.

ClinVar aggregate classification (germline): Conflicting classifications of pathogenicity. Review status: criteria provided, conflicting classifications (1 of 4 stars). 3 submissions from 3 submitters: Uncertain significance (1); Benign (1); Likely benign (1). Last evaluated 2025-04-02.

Conditions:
Intellectual developmental disorder, autosomal dominant 6, with or without seizures. Also called: Intellectual disability, autosomal dominant 6; GRIN2B-related developmental delay, intellectual disability and autism spectrum disorder. Identifiers: Orphanet 589547, MedGen C3151411, MONDO:0013509, OMIM 613970.
Developmental and epileptic encephalopathy, 27 (DEE27). Also called: Epileptic encephalopathy, early infantile, 27; GRIN2B-Related Neurodevelopmental Disorder. Identifiers: Orphanet 3451, MedGen C4015316, MONDO:0014505, OMIM 616139.

Allele frequency attached by ClinVar (database versions not stated): ExAC 0.00001; gnomAD exomes 0.00006 and 0.00008; gnomAD 0.00007 and 0.00008; TOPMed 0.00007.
gnomAD v4.1: 121 of 1,613,960 alleles (0.0075%); highest among the groups gnomAD compares: Non-Finnish European, 0.01%; no homozygotes.

Submissions (3):

Labcorp Genetics (formerly Invitae), Labcorp
Classification: Benign for Developmental and epileptic encephalopathy, 27; Intellectual developmental disorder, autosomal dominant 6, with or without seizures. Last evaluated: 2025-04-02. Review status: criteria provided, single submitter. Criteria: Invitae Variant Classification Sherloc (09022015). Collection method: clinical testing. Allele origin: germline.

GeneDx
Classification: Likely benign. Last evaluated: 2020-09-09. Review status: criteria provided, single submitter. Criteria: GeneDx Variant Classification Process June 2021. Collection method: clinical testing. Allele origin: germline. Affected: yes.
Comment: This variant is associated with the following publications: (PMID: 27029629, 29124671)

Genetic Services Laboratory, University of Chicago
Classification: Uncertain significance. Last evaluated: 2018-04-30. Review status: criteria provided, single submitter. Criteria: ACMG Guidelines, 2015. Collection method: clinical testing. Allele origin: germline. Affected: no.